The following is an entry in ClinVar:

ClinVar aggregate classification (germline): Uncertain significance (1 of 4 stars; one submission).

Submission:

Labcorp Genetics (formerly Invitae), Labcorp
Classification: Uncertain significance. Last evaluated: 2022-04-23. Review status: criteria provided, single submitter. Criteria: Invitae Variant Classification Sherloc (09022015). Collection method: clinical testing. Allele origin: germline.
Comment: Algorithms developed to predict the effect of missense changes on protein structure and function are either unavailable or do not agree on the potential impact of this missense change (SIFT: "Deleterious"; PolyPhen-2: "Probably Damaging"; Align-GVGD: "Class C0"). In summary, the available evidence is currently insufficient to determine the role of this variant in disease. Therefore, it has been classified as a Variant of Uncertain Significance. This variant has not been reported in the literature in individuals affected with CAD-related conditions. This sequence change replaces phenylalanine, which is neutral and non-polar, with tyrosine, which is neutral and polar, at codon 353 of the CAD protein (p.Phe353Tyr). This variant is not present in population databases (gnomAD no frequency).

NM_004341.5(CAD):c.1058T>A (p.Phe353Tyr)

Gene: CAD (carbamoyl-phosphate synthetase 2, aspartate transcarbamylase, and dihydroorotase; plus strand). Cytogenetic location: 2p23.3.
Variant type: single nucleotide variant.
Coding change: c.1058T>A on transcript NM_004341.5 (MANE Select); coding-DNA position 1058, T replaced by A.
Protein change: p.Phe353Tyr; replaces phenylalanine 353 with tyrosine.
Molecular consequence: missense variant.
Genome position (GRCh38, 1-based): chr2:27,223,979, T>A. VCF-style: chr2-27223979-T-A. GRCh37 (hg19) VCF-style: chr2-27446847-T-A.
Other names: c.1058T>A, p.Phe353Tyr (NM_001306079.2); short protein forms F353Y.
Identifiers: ClinVar variation 2129563 (VCV002129563.4), dbSNP rs2465294643, ClinGen allele CA346202849.